The following is an entry in ClinVar:

NM_207122.2(EXT2):c.1894A>G (p.Asn632Asp)

Gene: EXT2 (exostosin glycosyltransferase 2; plus strand). Cytogenetic location: 11p11.2.
Variant type: single nucleotide variant.
Coding change: c.1894A>G on transcript NM_207122.2 (MANE Select); coding-DNA position 1894, A replaced by G.
Protein change: p.Asn632Asp; replaces asparagine 632 with aspartic acid.
Molecular consequence: missense variant.
Genome position (GRCh38, 1-based): chr11:44,234,202, A>G. VCF-style: chr11-44234202-A-G. GRCh37 (hg19) VCF-style: chr11-44255752-A-G.
Other names: c.1993A>G, p.Asn665Asp (NM_000401.3); c.1924A>G, p.Asn642Asp (NM_001178083.3); c.1894A>G, p.Asn632Asp (NM_001389628.1, NM_001389630.1); short protein forms N642D, N632D, N665D.
Identifiers: ClinVar variation 1523361 (VCV001523361.6), dbSNP rs1334534184, ClinGen allele CA380183353.

ClinVar aggregate classification (germline): Uncertain significance (1 of 4 stars; one submission).

Conditions:
Exostoses, multiple, type 2 (EXT2). Also called: EXOSTOSES, MULTIPLE, TYPE II; Hereditary Multiple Osteochondromatosis, Type II. Identifiers: Orphanet 321, MedGen C1851413, MONDO:0007586, OMIM 133701.

Allele frequency attached by ClinVar (database versions not stated): gnomAD exomes below 0.00001 and 0.00001.
gnomAD v4.1: 3 of 1,614,180 alleles (0.00019%); highest among the groups gnomAD compares: South Asian, 0.0022%; no homozygotes.

Submission:

Labcorp Genetics (formerly Invitae), Labcorp
Classification: Uncertain significance for Exostoses, multiple, type 2. Last evaluated: 2021-09-23. Review status: criteria provided, single submitter. Criteria: Invitae Variant Classification Sherloc (09022015). Collection method: clinical testing. Allele origin: germline.
Comment: In summary, the available evidence is currently insufficient to determine the role of this variant in disease. Therefore, it has been classified as a Variant of Uncertain Significance. Algorithms developed to predict the effect of missense changes on protein structure and function are either unavailable or do not agree on the potential impact of this missense change (SIFT: "Deleterious"; PolyPhen-2: "Probably Damaging"; Align-GVGD: "Class C15"). This variant has not been reported in the literature in individuals affected with EXT2-related conditions. This variant is not present in population databases (ExAC no frequency). This sequence change replaces asparagine with aspartic acid at codon 632 of the EXT2 protein (p.Asn632Asp). The asparagine residue is highly conserved and there is a small physicochemical difference between asparagine and aspartic acid.